The following is an entry in ClinVar:

NM_001267550.2(TTN):c.103591A>G (p.Lys34531Glu)

Genes: TTN (titin; minus strand), TTN-AS1 (TTN antisense RNA 1; plus strand). Cytogenetic location: 2q31.2.
Variant type: single nucleotide variant.
Coding change: c.103591A>G on transcript NM_001267550.2 (MANE Select); coding-DNA position 103591, A replaced by G.
Protein change: p.Lys34531Glu; replaces lysine 34531 with glutamic acid.
Molecular consequence: missense variant.
Genome position (GRCh38, 1-based): chr2:178,533,024, T>C on the plus strand (A>G on the coding strand, the complement: TTN is on the minus strand). VCF-style: chr2-178533024-T-C. GRCh37 (hg19) VCF-style: chr2-179397751-T-C.
Other names: p.Lys31963Glu; c.98668A>G, p.Lys32890Glu (NM_001256850.1); c.76396A>G, p.Lys25466Glu (NM_003319.4); c.95887A>G, p.Lys31963Glu (NM_133378.4); c.76771A>G, p.Lys25591Glu (NM_133432.3); c.76972A>G, p.Lys25658Glu (NM_133437.4); short protein forms K25658E, K31963E, K32890E, K25466E, K25591E, K34531E.
Identifiers: ClinVar variation 1759918 (VCV001759918.5), dbSNP rs570330487, ClinGen allele CA1985581.

ClinVar aggregate classification (germline): Uncertain significance. Review status: criteria provided, multiple submitters, no conflicts (2 of 4 stars). 4 submissions from 4 submitters: Uncertain significance (4). Last evaluated 2026-07-07.

Conditions:
TTN-related disorder. Also called: TTN-related disorders; TTN-related condition; TTN-related disease.
Cardiovascular phenotype. Identifiers: MedGen CN230736.

Allele frequency attached by ClinVar (database versions not stated): gnomAD 0.00001; gnomAD exomes 0.00002; TOPMed 0.00003; ExAC 0.00007; 1000 Genomes Project 30x 0.00016; 1000 Genomes Project 0.00020.
gnomAD v4.1: 25 of 1,613,886 alleles (0.0015%); highest among the groups gnomAD compares: Admixed American, 0.025%; no homozygotes.

Submissions (4):

PreventionGenetics, part of Exact Sciences
Classification: Uncertain significance for TTN-related condition. Last evaluated: 2026-07-07. Review status: criteria provided, single submitter. Criteria: ACMG Guidelines, 2015. Collection method: clinical testing. Allele origin: germline.
Comment: The TTN c.103591A>G variant is predicted to result in the amino acid substitution p.Lys34531Glu. To our knowledge, this variant has not been reported in the literature. This variant is reported in 0.038% of alleles in individuals of Latino descent in gnomAD. At this time, the clinical significance of this variant is uncertain due to the absence of conclusive functional and genetic evidence.

Revvity Omics, Revvity
Classification: Uncertain significance. Last evaluated: 2024-12-04. Review status: criteria provided, single submitter. Criteria: ACMG Guidelines, 2015. Collection method: clinical testing. Allele origin: germline.

Mayo Clinic Laboratories, Mayo Clinic
Classification: Uncertain significance. Last evaluated: 2022-10-19. Review status: criteria provided, single submitter. Criteria: ACMG Guidelines, 2015. Collection method: clinical testing. Allele origin: germline. Observed: 1 variant allele.
Comment: BP4

Ambry Genetics
Classification: Uncertain significance for Cardiovascular phenotype. Last evaluated: 2019-04-16. Review status: criteria provided, single submitter. Criteria: Ambry Variant Classification Scheme 2023. Collection method: clinical testing. Allele origin: germline.
Comment: The p.K25466E variant (also known as c.76396A>G), located in coding exon 185 of the TTN gene, results from an A to G substitution at nucleotide position 76396. The lysine at codon 25466 is replaced by glutamic acid, an amino acid with similar properties. This amino acid position is highly conserved in available vertebrate species. In addition, this alteration is predicted to be tolerated by in silico analysis. Since supporting evidence is limited at this time, the clinical significance of this alteration remains unclear.